The following is an entry in ClinVar:

ClinVar aggregate classification (germline): Benign/Likely benign. Review status: criteria provided, multiple submitters, no conflicts (2 of 4 stars). 7 submissions from 7 submitters: Benign (1); Likely benign (6). Last evaluated 2026-01-27.

Conditions:
FLNB-Related Spectrum Disorders.

Allele frequency attached by ClinVar (database versions not stated): 1000 Genomes Project 30x 0.00156; 1000 Genomes Project 0.00160; ExAC 0.00235; gnomAD exomes 0.00257 and 0.00328; gnomAD 0.00260 and 0.00261; ESP Exome Variant Server 0.00269; TOPMed 0.00275.
gnomAD v4.1: 5,148 of 1,613,344 alleles (0.32%); highest among the groups gnomAD compares: Non-Finnish European, 0.38%; 7 homozygotes.

Submissions (7):

Labcorp Genetics (formerly Invitae), Labcorp
Classification: Benign. Last evaluated: 2026-01-27. Review status: criteria provided, single submitter. Criteria: Invitae Variant Classification Sherloc (09022015). Collection method: clinical testing. Allele origin: germline.

Blueprint Genetics
Classification: Likely benign. Last evaluated: 2024-11-21. Review status: criteria provided, single submitter. Criteria: ACMG Guidelines, 2015. Collection method: clinical testing. Allele origin: germline.

ARUP Laboratories, Molecular Genetics and Genomics, ARUP Laboratories
Classification: Likely benign. Last evaluated: 2023-10-03. Review status: criteria provided, single submitter. Criteria: ARUP Molecular Germline Variant Investigation Process 2024. Collection method: clinical testing. Allele origin: germline.

Illumina Laboratory Services, Illumina
Classification: Likely benign for FLNB-Related Spectrum Disorders. Last evaluated: 2018-01-12. Review status: criteria provided, single submitter. Criteria: ICSL Variant Classification Criteria 13 December 2019. Collection method: clinical testing. Allele origin: germline.
Comment: This variant was observed in the ICSL laboratory as part of a predisposition screen in an ostensibly healthy population. It had not been previously curated by ICSL or reported in the Human Gene Mutation Database (HGMD: prior to June 1st, 2018), and was therefore a candidate for classification through an automated scoring system. Utilizing variant allele frequency, disease prevalence and penetrance estimates, and inheritance mode, an automated score was calculated to assess if this variant is too frequent to cause the disease. Based on the score and internal cut-off values, a variant classified as likely benign is not then subjected to further curation. The score for this variant resulted in a classification of likely benign for this disease.

GeneDx
Classification: Likely benign. Last evaluated: 2016-08-26. Review status: criteria provided, single submitter. Criteria: GeneDx Variant Classification (06012015). Collection method: clinical testing. Allele origin: germline. Affected: yes.
Comment: This variant is considered likely benign or benign based on one or more of the following criteria: it is a conservative change, it occurs at a poorly conserved position in the protein, it is predicted to be benign by multiple in silico algorithms, and/or has population frequency not consistent with disease.

Breakthrough Genomics
Classification: Likely benign. Review status: criteria provided, single submitter. Criteria: ACMG Guidelines, 2015. Collection method: not provided. Allele origin: germline. Inheritance: Autosomal recessive inheritance. Affected: yes.

PreventionGenetics, part of Exact Sciences
Classification: Likely benign. Review status: criteria provided, single submitter. Criteria: ACMG Guidelines, 2015. Collection method: clinical testing. Allele origin: germline.

NM_001457.4(FLNB):c.292+14C>G

Gene: FLNB (filamin B; plus strand). Cytogenetic location: 3p14.3.
Variant type: single nucleotide variant.
Coding change: c.292+14C>G on transcript NM_001457.4 (MANE Select); 14 bases into the intron after coding-DNA position 292, C replaced by G.
Molecular consequence: intron variant.
Genome position (GRCh38, 1-based): chr3:58,008,870, C>G. VCF-style: chr3-58008870-C-G. GRCh37 (hg19) VCF-style: chr3-57994597-C-G.
Other names: c.292+14C>G (NM_001164317.2, NM_001164318.2, NM_001164319.2).
Identifiers: ClinVar variation 258102 (VCV000258102.23), dbSNP rs200721532, ClinGen allele CA2467489.